The following is an entry in ClinVar:

NM_001286.5(CLCN6):c.237G>A (p.Val79=)

Gene: CLCN6 (chloride voltage-gated channel 6; plus strand). Cytogenetic location: 1p36.22.
Variant type: single nucleotide variant.
Coding change: c.237G>A on transcript NM_001286.5 (MANE Select); coding-DNA position 237, G replaced by A.
Protein change: p.Val79=; no amino-acid change (valine 79 retained).
Molecular consequence: synonymous variant. On other transcripts: non-coding transcript variant (1).
Genome position (GRCh38, 1-based): chr1:11,816,638, G>A. VCF-style: chr1-11816638-G-A. GRCh37 (hg19) VCF-style: chr1-11876695-G-A.
Other names: c.171G>A, p.Val57= (NM_001256959.2).
Identifiers: ClinVar variation 1960786 (VCV001960786.5), dbSNP rs2523071410, ClinGen allele CA416096936.

ClinVar aggregate classification (germline): Uncertain significance (1 of 4 stars; one submission).

gnomAD v4.1: 1 of 1,613,328 alleles (0.000062%); no homozygotes.

Submission:

Labcorp Genetics (formerly Invitae), Labcorp
Classification: Uncertain significance. Last evaluated: 2022-03-09. Review status: criteria provided, single submitter. Criteria: Invitae Variant Classification Sherloc (09022015). Collection method: clinical testing. Allele origin: germline.
Comment: In summary, the available evidence is currently insufficient to determine the role of this variant in disease. Therefore, it has been classified as a Variant of Uncertain Significance. Algorithms developed to predict the effect of sequence changes on RNA splicing suggest that this variant may disrupt the consensus splice site. This variant has not been reported in the literature in individuals affected with CLCN6-related conditions. This variant is not present in population databases (gnomAD no frequency). This sequence change affects codon 79 of the CLCN6 mRNA. It is a 'silent' change, meaning that it does not change the encoded amino acid sequence of the CLCN6 protein.